The following is an entry in ClinVar:

NM_198253.3(TERT):c.2914C>G (p.Arg972Gly)

Gene: TERT (telomerase reverse transcriptase; minus strand). Cytogenetic location: 5p15.33.
Variant type: single nucleotide variant.
Coding change: c.2914C>G on transcript NM_198253.3 (MANE Select); coding-DNA position 2914, C replaced by G.
Protein change: p.Arg972Gly; replaces arginine 972 with glycine.
Molecular consequence: missense variant. On other transcripts: non-coding transcript variant (2).
Genome position (GRCh38, 1-based): chr5:1,260,530, G>C on the plus strand (C>G on the coding strand, the complement: TERT is on the minus strand). VCF-style: chr5-1260530-G-C. GRCh37 (hg19) VCF-style: chr5-1260645-G-C.
Other names: c.2725C>G, p.Arg909Gly (NM_001193376.3); c.2914C>G, p.Arg972Gly (NM_003219.1); short protein forms R972G, R909G.
Identifiers: ClinVar variation 2950294 (VCV002950294.5), dbSNP rs773537902, ClinGen allele CA359069976.

ClinVar aggregate classification (germline): Uncertain significance. Review status: criteria provided, multiple submitters, no conflicts (2 of 4 stars). 3 submissions from 3 submitters: Uncertain significance (3). Last evaluated 2024-10-24.

Conditions:
Dyskeratosis congenita. Identifiers: Orphanet 1775, MedGen C0265965, MONDO:0015780.
Dyskeratosis congenita, autosomal dominant 2. Identifiers: MedGen C3151443, MONDO:0013521, OMIM 613989.
Idiopathic Pulmonary Fibrosis. Also called: Idiopathic fibrosing alveolitis, chronic form; idiopathic fibrosing alveolitis. Identifiers: Orphanet 2032, MedGen C1800706, MeSH D054990, MONDO:0800504.

Submissions (3):

GeneDx
Classification: Uncertain significance. Last evaluated: 2024-10-24. Review status: criteria provided, single submitter. Criteria: GeneDx Variant Classification Process June 2021. Collection method: clinical testing. Allele origin: germline. Affected: yes.
Comment: Not observed at significant frequency in large population cohorts (gnomAD); In silico analysis supports that this missense variant has a deleterious effect on protein structure/function; Has not been previously published as pathogenic or benign to our knowledge

Ambry Genetics
Classification: Uncertain significance for Dyskeratosis congenita. Last evaluated: 2023-09-24. Review status: criteria provided, single submitter. Criteria: Ambry Variant Classification Scheme 2023. Collection method: clinical testing. Allele origin: germline.
Comment: The p.R972G variant (also known as c.2914C>G), located in coding exon 12 of the TERT gene, results from a C to G substitution at nucleotide position 2914. The arginine at codon 972 is replaced by glycine, an amino acid with dissimilar properties. This amino acid position is conserved. In addition, this alteration is predicted to be tolerated by in silico analysis. Since supporting evidence is limited at this time, the clinical significance of this alteration remains unclear.

Labcorp Genetics (formerly Invitae), Labcorp
Classification: Uncertain significance for Dyskeratosis congenita, autosomal dominant 2; Idiopathic Pulmonary Fibrosis. Last evaluated: 2023-07-25. Review status: criteria provided, single submitter. Criteria: Invitae Variant Classification Sherloc (09022015). Collection method: clinical testing. Allele origin: germline.
Comment: In summary, the available evidence is currently insufficient to determine the role of this variant in disease. Therefore, it has been classified as a Variant of Uncertain Significance. Advanced modeling of protein sequence and biophysical properties (such as structural, functional, and spatial information, amino acid conservation, physicochemical variation, residue mobility, and thermodynamic stability) performed at Invitae indicates that this missense variant is expected to disrupt TERT protein function. This variant has not been reported in the literature in individuals affected with TERT-related conditions. This variant is not present in population databases (gnomAD no frequency). This sequence change replaces arginine, which is basic and polar, with glycine, which is neutral and non-polar, at codon 972 of the TERT protein (p.Arg972Gly).